The following is an entry in ClinVar:

NM_004006.3(DMD):c.1471C>G (p.Gln491Glu)

Gene: DMD (dystrophin; minus strand). Cytogenetic location: Xp21.1.
Variant type: single nucleotide variant.
Coding change: c.1471C>G on transcript NM_004006.3 (MANE Select); coding-DNA position 1471, C replaced by G.
Protein change: p.Gln491Glu; replaces glutamine 491 with glutamic acid.
Molecular consequence: missense variant.
Genome position (GRCh38, 1-based): chrX:32,614,314, G>C on the plus strand (C>G on the coding strand, the complement: DMD is on the minus strand). VCF-style: chrX-32614314-G-C. GRCh37 (hg19) VCF-style: chrX-32632431-G-C.
Other names: c.1447C>G, p.Gln483Glu (NM_000109.4); c.1459C>G, p.Gln487Glu (NM_004009.3); c.1102C>G, p.Gln368Glu (NM_004010.3); short protein forms Q491E, Q487E, Q483E, Q368E.
Identifiers: ClinVar variation 3019591 (VCV003019591.3), dbSNP rs373489300, ClinGen allele CA10379851.
Genomic context (GRCh38, chrX:32,614,314, plus strand): 5'-CACAGAGTTTGCTTTCTAGTAGAAAGCACGCAACATAAGATACACCTACCTTATGTTGTT[G>C]TACTTGGCGTTTTAGGTCTTCAAGATCAGGTCCAAGAGGCTCTTCCTCCATTTTCCTTGT-3'
Protein context (NP_003997.2, residues 481-501): PDLEDLKRQV[Gln491Glu]QHKVLQEDLE

ClinVar aggregate classification (germline): Uncertain significance (1 of 4 stars; one submission).

Conditions:
Duchenne muscular dystrophy (DMD). Also called: MUSCULAR DYSTROPHY, PSEUDOHYPERTROPHIC PROGRESSIVE, DUCHENNE TYPE; Duchenne Muscular Dystrophy (DMD). Identifiers: Orphanet 98896, MedGen C0013264, MONDO:0010679, OMIM 310200.

Allele frequency attached by ClinVar (database versions not stated): ExAC 0.00001; gnomAD 0.00001; TOPMed 0.00001; ESP Exome Variant Server 0.00009.
gnomAD v4.1: 2 of 1,205,870 alleles (0.00017%); highest among the groups gnomAD compares: African/African-American, 0.0018%; no homozygotes.

Submission:

Labcorp Genetics (formerly Invitae), Labcorp
Classification: Uncertain significance for Duchenne muscular dystrophy. Last evaluated: 2023-04-07. Review status: criteria provided, single submitter. Criteria: Invitae Variant Classification Sherloc (09022015). Collection method: clinical testing. Allele origin: germline.
Comment: In summary, the available evidence is currently insufficient to determine the role of this variant in disease. Therefore, it has been classified as a Variant of Uncertain Significance. Advanced modeling of protein sequence and biophysical properties (such as structural, functional, and spatial information, amino acid conservation, physicochemical variation, residue mobility, and thermodynamic stability) performed at Invitae indicates that this missense variant is not expected to disrupt DMD protein function. This variant has not been reported in the literature in individuals affected with DMD-related conditions. This variant is present in population databases (rs373489300, gnomAD 0.008%). This sequence change replaces glutamine, which is neutral and polar, with glutamic acid, which is acidic and polar, at codon 491 of the DMD protein (p.Gln491Glu).